The following is an entry in ClinVar:

NM_001374736.1(DST):c.4651G>T (p.Glu1551Ter)

Gene: DST (dystonin; minus strand). Cytogenetic location: 6p12.1.
Variant type: single nucleotide variant.
Coding change: c.4651G>T on transcript NM_001374736.1 (MANE Select); coding-DNA position 4651, G replaced by T.
Protein change: p.Glu1551Ter; replaces glutamic acid 1551 with a stop codon.
Molecular consequence: nonsense.
Genome position (GRCh38, 1-based): chr6:56,627,275, C>A on the plus strand (G>T on the coding strand, the complement: DST is on the minus strand). VCF-style: chr6-56627275-C-A. GRCh37 (hg19) VCF-style: chr6-56492073-C-A.
Other names: c.4552G>T, p.Glu1518Ter (NM_001144769.5); c.4138G>T, p.Glu1380Ter (NM_001144770.2); c.4651G>T, p.Glu1551Ter (NM_001374722.1); c.4018G>T, p.Glu1340Ter (NM_001374729.1, NM_001374730.1, NM_001386100.1 and 1 more transcripts); c.4678G>T, p.Glu1560Ter (NM_001374734.1); c.3040G>T, p.Glu1014Ter (NM_001723.7, NM_015548.5); short protein forms E1340*, E1380*, E1518*, E1014*, E1551*, E1560*.
Identifiers: ClinVar variation 665283 (VCV000665283.7), dbSNP rs375889300, ClinGen allele CA364573103.
Genomic context (GRCh38, chr6:56,627,275, plus strand): 5'-CTGAGTACTGTTCTGCATATTTTTGACACTCGTCCATTTTGCTCTGTTTCATTTCTATTT[C>A]GGACACCAGCATCTATAAATATACACAGTTTAGAACAAAAATGACAAGGAATTCAGCTAT-3'

ClinVar aggregate classification (germline): Pathogenic (1 of 4 stars; one submission).

Conditions:
Epidermolysis bullosa simplex 3, localized or generalized intermediate, with BP230 deficiency (EBS3). Also called: Epidermolysis bullosa simplex due to BP230 deficiency; Epidermolysis bullosa simplex, autosomal recessive 2. Identifiers: Orphanet 412181, MedGen C3809470, MONDO:0014180, OMIM 615425.
Hereditary sensory and autonomic neuropathy type 6. Also called: HSAN VI; Neuropathy, hereditary sensory and autonomic, type VI. Identifiers: Orphanet 314381, MedGen C3539003, MONDO:0013839, OMIM 614653.

Submission:

Labcorp Genetics (formerly Invitae), Labcorp
Classification: Pathogenic for Epidermolysis bullosa simplex 3, localized or generalized intermediate, with BP230 deficiency; Hereditary sensory and autonomic neuropathy type 6. Last evaluated: 2018-12-25. Review status: criteria provided, single submitter. Criteria: Invitae Variant Classification Sherloc (09022015). Collection method: clinical testing. Allele origin: germline.
Comment: This sequence change creates a premature translational stop signal (p.Glu1014*) in the DST gene. It is expected to result in an absent or disrupted protein product. This variant is not present in population databases (ExAC no frequency). This variant has not been reported in the literature in individuals with DST-related conditions. Loss-of-function variants in DST are known to be pathogenic (PMID: 25059916). For these reasons, this variant has been classified as Pathogenic.

Literature cited by the submitters: PubMed 25059916.